The following is an entry in ClinVar:

NM_002838.5(PTPRC):c.3632T>C (p.Met1211Thr)

Gene: PTPRC (protein tyrosine phosphatase receptor type C; plus strand). Cytogenetic location: 1q32.1.
Variant type: single nucleotide variant.
Coding change: c.3632T>C on transcript NM_002838.5 (MANE Select); coding-DNA position 3632, T replaced by C.
Protein change: p.Met1211Thr; replaces methionine 1211 with threonine.
Molecular consequence: missense variant.
Genome position (GRCh38, 1-based): chr1:198,754,391, T>C. VCF-style: chr1-198754391-T-C. GRCh37 (hg19) VCF-style: chr1-198723520-T-C.
Other names: c.3149T>C, p.Met1050Thr (NM_080921.4); short protein forms M1050T, M1211T.
Identifiers: ClinVar variation 2115358 (VCV002115358.4), dbSNP rs1471213861, ClinGen allele CA344055796.

ClinVar aggregate classification (germline): Uncertain significance (1 of 4 stars; one submission).

Conditions:
Immunodeficiency 104. Also called: Severe Combined Immune Deficiency, Autosomal Recessive, TCell -Negative, B Cell-Positive, NK Cell-Positive, IL7R-Related; SCID, AUTOSOMAL RECESSIVE, T CELL-NEGATIVE, B CELL-POSITIVE, NK CELL-POSITIVE; Severe combined immunodeficiency, autosomal recessive, T cell-negative, B cell-positive, NK cell-positive; IMMUNODEFICIENCY 104, SEVERE COMBINED. Identifiers: MedGen C5676890, MONDO:0012163, OMIM 608971.

Allele frequency attached by ClinVar (database versions not stated): TOPMed below 0.00001; gnomAD 0.00001.

Submission:

Labcorp Genetics (formerly Invitae), Labcorp
Classification: Uncertain significance for Immunodeficiency 104. Last evaluated: 2022-03-20. Review status: criteria provided, single submitter. Criteria: Invitae Variant Classification Sherloc (09022015). Collection method: clinical testing. Allele origin: germline.
Comment: In summary, the available evidence is currently insufficient to determine the role of this variant in disease. Therefore, it has been classified as a Variant of Uncertain Significance. Algorithms developed to predict the effect of missense changes on protein structure and function are either unavailable or do not agree on the potential impact of this missense change (SIFT: "Deleterious"; PolyPhen-2: "Probably Damaging"; Align-GVGD: "Class C0"). This variant has not been reported in the literature in individuals affected with PTPRC-related conditions. This variant is not present in population databases (gnomAD no frequency). This sequence change replaces methionine, which is neutral and non-polar, with threonine, which is neutral and polar, at codon 1211 of the PTPRC protein (p.Met1211Thr).